The following is an entry in ClinVar:

NM_002468.5(MYD88):c.535A>G (p.Ile179Val)

Gene: MYD88 (MYD88 innate immune signal transduction adaptor; plus strand). Cytogenetic location: 3p22.2.
Variant type: single nucleotide variant.
Coding change: c.535A>G on transcript NM_002468.5 (MANE Select); coding-DNA position 535, A replaced by G.
Protein change: p.Ile179Val; replaces isoleucine 179 with valine.
Molecular consequence: missense variant. On other transcripts: intron variant (2).
Genome position (GRCh38, 1-based): chr3:38,140,459, A>G. VCF-style: chr3-38140459-A-G. GRCh37 (hg19) VCF-style: chr3-38181950-A-G.
Other names: c.574A>G (NM_002468.4); c.535A>G, p.Ile179Val (NM_001172567.2, NM_001365876.1, NM_001374787.1); c.400A>G, p.Ile134Val (NM_001172568.2, NM_001365877.1); c.464-298A>G (NM_001172569.3); c.329-298A>G (NM_001172566.2); short protein forms I134V, I179V.
Identifiers: ClinVar variation 1436032 (VCV001436032.6), dbSNP rs751552782, ClinGen allele CA2316153.

ClinVar aggregate classification (germline): Uncertain significance. Review status: criteria provided, multiple submitters, no conflicts (2 of 4 stars). 2 submissions from 2 submitters: Uncertain significance (2). Last evaluated 2025-06-07.

Conditions:
Inborn genetic diseases. Identifiers: MedGen C0950123, MeSH D030342.
Pyogenic bacterial infections due to MyD88 deficiency (IMD68). Also called: PYOGENIC BACTERIAL INFECTIONS, RECURRENT, DUE TO MYD88 DEFICIENCY. Identifiers: Orphanet 183713, MedGen C2677092, MONDO:0012839, OMIM 612260.

Allele frequency attached by ClinVar (database versions not stated): gnomAD 0.00002; TOPMed 0.00002; ExAC 0.00002; gnomAD exomes 0.00004 and 0.00003.
gnomAD v4.1: 18 of 1,614,104 alleles (0.0011%); highest among the groups gnomAD compares: Admixed American, 0.022%; 1 homozygote.

Submissions (2):

Ambry Genetics
Classification: Uncertain significance for Inborn genetic diseases. Last evaluated: 2025-06-07. Review status: criteria provided, single submitter. Criteria: Ambry Variant Classification Scheme 2023. Collection method: clinical testing. Allele origin: germline.

Labcorp Genetics (formerly Invitae), Labcorp
Classification: Uncertain significance for Pyogenic bacterial infections due to MyD88 deficiency. Last evaluated: 2024-09-27. Review status: criteria provided, single submitter. Criteria: Invitae Variant Classification Sherloc (09022015). Collection method: clinical testing. Allele origin: germline.
Comment: This sequence change replaces isoleucine, which is neutral and non-polar, with valine, which is neutral and non-polar, at codon 192 of the MYD88 protein (p.Ile192Val). This variant is present in population databases (rs751552782, gnomAD 0.02%), including at least one homozygous and/or hemizygous individual. This variant has not been reported in the literature in individuals affected with MYD88-related conditions. ClinVar contains an entry for this variant (Variation ID: 1436032). An algorithm developed to predict the effect of missense changes on protein structure and function (PolyPhen-2) suggests that this variant¬†is likely to be tolerated. In summary, the available evidence is currently insufficient to determine the role of this variant in disease. Therefore, it has been classified as a Variant of Uncertain Significance.